The following is an entry in ClinVar:

NM_014994.3(MAPKBP1):c.2519C>A (p.Ala840Glu)

Gene: MAPKBP1 (mitogen-activated protein kinase binding protein 1; plus strand). Cytogenetic location: 15q15.1.
Variant type: single nucleotide variant.
Coding change: c.2519C>A on transcript NM_014994.3 (MANE Select); coding-DNA position 2519, C replaced by A.
Protein change: p.Ala840Glu; replaces alanine 840 with glutamic acid.
Molecular consequence: missense variant. On other transcripts: non-coding transcript variant (2).
Genome position (GRCh38, 1-based): chr15:41,820,869, C>A. VCF-style: chr15-41820869-C-A. GRCh37 (hg19) VCF-style: chr15-42113067-C-A.
Other names: c.2537C>A, p.Ala846Glu (NM_001128608.2); c.2519C>A, p.Ala840Glu (NM_001265611.2); short protein forms A840E, A846E.
Identifiers: ClinVar variation 1336589 (VCV001336589.15), dbSNP rs147620917, ClinGen allele CA7498303.

ClinVar aggregate classification (germline): Conflicting classifications of pathogenicity. Review status: criteria provided, conflicting classifications (1 of 4 stars). 4 submissions from 4 submitters: Uncertain significance (2); Likely benign (1). 1 of the submissions does not count toward it. Last evaluated 2025-12-23.

Conditions:
Nephronophthisis 20 (NPHP20). Identifiers: MedGen C4310640, MONDO:0014997, OMIM 617271.
MAPKBP1-related disorder. Also called: MAPKBP1-related condition.

Allele frequency attached by ClinVar (database versions not stated): gnomAD 0.00066 and 0.00062; 1000 Genomes Project 30x 0.00172; 1000 Genomes Project 0.00160; ExAC 0.00018; ESP Exome Variant Server 0.00054; TOPMed 0.00082.
gnomAD v4.1: 186 of 1,614,010 alleles (0.012%); highest among the groups gnomAD compares: African/African-American, 0.22%; no homozygotes.

Submissions (4):

Labcorp Genetics (formerly Invitae), Labcorp
Classification: Likely benign. Last evaluated: 2025-12-23. Review status: criteria provided, single submitter. Criteria: Invitae Variant Classification Sherloc (09022015). Collection method: clinical testing. Allele origin: germline.

Genetic Services Laboratory, University of Chicago
Classification: Uncertain significance. Last evaluated: 2025-01-06. Review status: criteria provided, single submitter. Criteria: ACMG Guidelines, 2015. Collection method: clinical testing. Allele origin: germline.
Comment: DNA sequence analysis of the MAPKBP1 gene demonstrated a sequence change, c.2537C>A, in exon 24 that results in an amino acid change, p.Ala846Glu. This sequence change has been described in the gnomAD database with a frequency of 0.27% in the African/African American subpopulation (dbSNP rs147620917). The p.Ala846Glu change affects a poorly conserved amino acid residue located in a domain of the MAPKBP1 protein that is not known to be functional. The p.Ala846Glu substitution appears to be benign using several in-silico pathogenicity prediction tools (SIFT, PolyPhen2, Align GVGD, REVEL). This sequence change does not appear to have been previously described in individuals with MAPKBP1-related disorders. Due to insufficient evidence and the lack of functional studies, the clinical significance of the p.Ala846Glu change remains unknown at this time.

Fulgent Genetics
Classification: Uncertain significance for Nephronophthisis 20. Last evaluated: 2024-01-19. Review status: criteria provided, single submitter. Criteria: ACMG Guidelines, 2015. Collection method: clinical testing. Allele origin: germline.

PreventionGenetics, part of Exact Sciences
Classification: Likely benign for MAPKBP1-related condition. Last evaluated: 2023-08-24. Review status: no assertion criteria provided. Collection method: clinical testing. Allele origin: germline. Not counted in ClinVar's aggregate classification.
Comment: This variant is classified as likely benign based on ACMG/AMP sequence variant interpretation guidelines (Richards et al. 2015 PMID: 25741868, with internal and published modifications).